The following is an entry in ClinVar:

NM_004369.4(COL6A3):c.6931-100G>T

Gene: COL6A3 (collagen type VI alpha 3 chain; minus strand). Cytogenetic location: 2q37.3.
Variant type: single nucleotide variant.
Coding change: c.6931-100G>T on transcript NM_004369.4 (MANE Select); 100 bases into the intron before coding-DNA position 6931, G replaced by T.
Molecular consequence: intron variant.
Genome position (GRCh38, 1-based): chr2:237,348,484, C>A on the plus strand (G>T on the coding strand, the complement: COL6A3 is on the minus strand). VCF-style: chr2-237348484-C-A. GRCh37 (hg19) VCF-style: chr2-238257127-C-A.
Other names: NC_000002.11:g.238257127C>A; c.5110-100G>T (NM_057166.5); c.6313-100G>T (NM_057167.4).
Identifiers: ClinVar variation 679241 (VCV000679241.5), dbSNP rs3790990, ClinGen allele CA15222433.

ClinVar aggregate classification (germline): Benign. Review status: criteria provided, multiple submitters, no conflicts (2 of 4 stars). 3 submissions from 3 submitters: Benign (3). Last evaluated 2024-07-31.

Allele frequency attached by ClinVar (database versions not stated): 1000 Genomes Project 0.21426; TOPMed 0.22197; 1000 Genomes Project 30x 0.21986.
gnomAD v4.1: 223,346 of 1,332,326 alleles (17%); highest among the groups gnomAD compares: African/African-American, 34%; 20,296 homozygotes.

Submissions (6):

Unidad de Genómica Garrahan, Hospital de Pediatría Garrahan
Classification: Benign. Last evaluated: 2024-07-31. Review status: criteria provided, single submitter. Criteria: ACMG Guidelines, 2015. Collection method: clinical testing. Allele origin: germline. Affected: no. Observed: 39 variant alleles.
Comment: This variant is classified as Benign based on local population frequency. This variant was detected in 42% of patients studied in a panel designed for Epileptic and Developmental Encephalopathy, Progressive Myoclonus Epilepsy and Abnormal Movements and Neurodegeneration with brain iron accumulation. Number of patients: 39. Only high quality variants are reported.

GeneDx
Classification: Benign. Last evaluated: 2018-06-16. Review status: criteria provided, single submitter. Criteria: GeneDx Variant Classification (06012015). Collection method: clinical testing. Allele origin: germline. Affected: yes.
Comment: This variant is considered likely benign or benign based on one or more of the following criteria: it is a conservative change, it occurs at a poorly conserved position in the protein, it is predicted to be benign by multiple in silico algorithms, and/or has population frequency not consistent with disease.

Breakthrough Genomics
Classification: Benign. Review status: criteria provided, single submitter. Criteria: ACMG Guidelines, 2015. Collection method: not provided. Allele origin: germline. Inheritance: Autosomal recessive inheritance. Affected: yes.

Dr. Peter K. Rogan Lab, Western University
No classification provided (evidence only). Condition: Uterine carcinosarcoma. Review status: no classification provided. Collection method: in vitro. Allele origin: not applicable. Functional consequence: retained intron. Not counted in ClinVar's aggregate classification.

Dr. Peter K. Rogan Lab, Western University
No classification provided (evidence only). Condition: Uterine carcinosarcoma. Review status: no classification provided. Collection method: in vitro. Allele origin: not applicable. Functional consequence: retained intron. Not counted in ClinVar's aggregate classification.

Dr. Peter K. Rogan Lab, Western University
No classification provided (evidence only). Condition: Uterine carcinosarcoma. Review status: no classification provided. Collection method: in vitro. Allele origin: not applicable. Functional consequence: retained intron. Not counted in ClinVar's aggregate classification.